The following is an entry in ClinVar:

NM_021035.3(ZNFX1):c.4005T>C (p.Leu1335=)

Gene: ZNFX1 (zinc finger NFX1-type containing 1; minus strand). Cytogenetic location: 20q13.13.
Variant type: single nucleotide variant.
Coding change: c.4005T>C on transcript NM_021035.3 (MANE Select); coding-DNA position 4005, T replaced by C.
Protein change: p.Leu1335=; no amino-acid change (leucine 1335 retained).
Molecular consequence: synonymous variant.
Genome position (GRCh38, 1-based): chr20:49,249,019, A>G on the plus strand (T>C on the coding strand, the complement: ZNFX1 is on the minus strand). VCF-style: chr20-49249019-A-G. GRCh37 (hg19) VCF-style: chr20-47865556-A-G.
Identifiers: ClinVar variation 739842 (VCV000739842.5), dbSNP rs372966340, ClinGen allele CA9901955.

ClinVar aggregate classification (germline): Likely benign. Review status: criteria provided, single submitter (1 of 4 stars). 2 submissions from 2 submitters: Likely benign (1). 1 of the submissions does not count toward it. Last evaluated 2018-07-02.

Conditions:
ZNFX1-related disorder. Also called: ZNFX1-related condition.

Allele frequency attached by ClinVar (database versions not stated): ExAC 0.00012; gnomAD exomes 0.00013 and 0.00019; ESP Exome Variant Server 0.00015; gnomAD 0.00016 and 0.00017; TOPMed 0.00020; 1000 Genomes Project 0.00040; 1000 Genomes Project 30x 0.00047.
gnomAD v4.1: 215 of 1,614,222 alleles (0.013%); highest among the groups gnomAD compares: Admixed American, 0.053%; no homozygotes.

Submissions (2):

Labcorp Genetics (formerly Invitae), Labcorp
Classification: Likely benign. Last evaluated: 2018-07-02. Review status: criteria provided, single submitter. Criteria: Invitae Variant Classification Sherloc (09022015). Collection method: clinical testing. Allele origin: germline.

PreventionGenetics, part of Exact Sciences
Classification: Likely benign for ZNFX1-related condition. Last evaluated: 2024-01-03. Review status: no assertion criteria provided. Collection method: clinical testing. Allele origin: germline. Not counted in ClinVar's aggregate classification.
Comment: This variant is classified as likely benign based on ACMG/AMP sequence variant interpretation guidelines (Richards et al. 2015 PMID: 25741868, with internal and published modifications).